The following is an entry in ClinVar:

NM_003002.4(SDHD):c.53-16A>G

Gene: SDHD (succinate dehydrogenase complex subunit D; plus strand). Cytogenetic location: 11q23.1.
Variant type: single nucleotide variant.
Coding change: c.53-16A>G on transcript NM_003002.4 (MANE Select); 16 bases into the intron before coding-DNA position 53, A replaced by G.
Molecular consequence: intron variant.
Genome position (GRCh38, 1-based): chr11:112,087,841, A>G. VCF-style: chr11-112087841-A-G. GRCh37 (hg19) VCF-style: chr11-111958565-A-G.
Other names: c.53-16A>G (NM_001276506.2, NM_001276503.2); c.52+882A>G (NM_001276504.2).
Identifiers: ClinVar variation 1393634 (VCV001393634.8), dbSNP rs915385437, ClinGen allele CA228550969.

ClinVar aggregate classification (germline): Uncertain significance (1 of 4 stars; one submission).

Conditions:
Carney-Stratakis syndrome. Also called: PARAGANGLIOMA AND GASTROINTESTINAL STROMAL TUMOR. Identifiers: Orphanet 97286, MedGen C1847319, MONDO:0011740, OMIM 606864.
Pheochromocytoma. Also called: MAX-Related Hereditary Paraganglioma-Pheochromocytoma Syndrome. Identifiers: Orphanet 29072, MedGen C0031511, MONDO:0008233, OMIM 171300, HP:0002666.
Paragangliomas with sensorineural hearing loss. Identifiers: MedGen C1868633.
Cowden syndrome 3 (CWS3). Identifiers: Orphanet 201, MedGen CN166604, MONDO:0014045.

Allele frequency attached by ClinVar (database versions not stated): gnomAD exomes below 0.00001; TOPMed below 0.00001.
gnomAD v4.1: 2 of 1,547,458 alleles (0.00013%); highest among the groups gnomAD compares: Non-Finnish European, 0.00018%; no homozygotes.

Submission:

Labcorp Genetics (formerly Invitae), Labcorp
Classification: Uncertain significance for Carney-Stratakis syndrome; Paragangliomas with sensorineural hearing loss; Pheochromocytoma; Cowden syndrome 3. Last evaluated: 2025-10-29. Review status: criteria provided, single submitter. Criteria: Invitae Variant Classification Sherloc (09022015). Collection method: clinical testing. Allele origin: germline.
Comment: This sequence change falls in intron 1 of the SDHD gene. It does not directly change the encoded amino acid sequence of the SDHD protein. This variant is not present in population databases (gnomAD no frequency). This variant has not been reported in the literature in individuals affected with SDHD-related conditions. ClinVar contains an entry for this variant (Variation ID: 1393634). Algorithms developed to predict the effect of sequence changes on RNA splicing suggest that this variant may disrupt the consensus splice site. In summary, the available evidence is currently insufficient to determine the role of this variant in disease. Therefore, it has been classified as a Variant of Uncertain Significance.